The following is an entry in ClinVar:

ClinVar aggregate classification (germline): Uncertain significance. Review status: criteria provided, multiple submitters, no conflicts (2 of 4 stars). 2 submissions from 2 submitters: Uncertain significance (2). Last evaluated 2025-10-27.

Conditions:
Inborn genetic diseases. Identifiers: MedGen C0950123, MeSH D030342.

Allele frequency attached by ClinVar (database versions not stated): gnomAD exomes below 0.00001; TOPMed below 0.00001.

Submissions (2):

Ambry Genetics
Classification: Uncertain significance for Inborn genetic diseases. Last evaluated: 2025-10-27. Review status: criteria provided, single submitter. Criteria: Ambry Variant Classification Scheme 2023. Collection method: clinical testing. Allele origin: germline.

Labcorp Genetics (formerly Invitae), Labcorp
Classification: Uncertain significance. Last evaluated: 2021-07-22. Review status: criteria provided, single submitter. Criteria: Invitae Variant Classification Sherloc (09022015). Collection method: clinical testing. Allele origin: germline.
Comment: This variant has not been reported in the literature in individuals affected with SAMD9-related conditions. In summary, the available evidence is currently insufficient to determine the role of this variant in disease. Therefore, it has been classified as a Variant of Uncertain Significance. Algorithms developed to predict the effect of missense changes on protein structure and function output the following: SIFT: "Deleterious"; PolyPhen-2: "Benign"; Align-GVGD: "Class C0". The serine amino acid residue is found in multiple mammalian species, which suggests that this missense change does not adversely affect protein function. This variant is not present in population databases (ExAC no frequency). This sequence change replaces proline with serine at codon 1552 of the SAMD9 protein (p.Pro1552Ser). The proline residue is moderately conserved and there is a moderate physicochemical difference between proline and serine.

NM_017654.4(SAMD9):c.4654C>T (p.Pro1552Ser)

Gene: SAMD9 (sterile alpha motif domain containing 9; minus strand). Cytogenetic location: 7q21.2.
Variant type: single nucleotide variant.
Coding change: c.4654C>T on transcript NM_017654.4 (MANE Select); coding-DNA position 4654, C replaced by T.
Protein change: p.Pro1552Ser; replaces proline 1552 with serine.
Molecular consequence: missense variant.
Genome position (GRCh38, 1-based): chr7:93,101,444, G>A on the plus strand (C>T on the coding strand, the complement: SAMD9 is on the minus strand). VCF-style: chr7-93101444-G-A. GRCh37 (hg19) VCF-style: chr7-92730757-G-A.
Other names: c.4654C>T, p.Pro1552Ser (NM_001193307.2); c.4654C>T (NM_017654.3); short protein forms P1552S.
Identifiers: ClinVar variation 1369327 (VCV001369327.10), dbSNP rs1223109287, ClinGen allele CA368176720.